The following is an entry in ClinVar:

NM_000082.4(ERCC8):c.176T>C (p.Met59Thr)

Gene: ERCC8 (ERCC excision repair 8, CSA ubiquitin ligase complex subunit; minus strand). Cytogenetic location: 5q12.1.
Variant type: single nucleotide variant.
Coding change: c.176T>C on transcript NM_000082.4 (MANE Select); coding-DNA position 176, T replaced by C.
Protein change: p.Met59Thr; replaces methionine 59 with threonine.
Molecular consequence: missense variant. On other transcripts: initiator codon variant (1), 5 prime UTR variant (1).
Genome position (GRCh38, 1-based): chr5:60,922,153, A>G on the plus strand (T>C on the coding strand, the complement: ERCC8 is on the minus strand). VCF-style: chr5-60922153-A-G. GRCh37 (hg19) VCF-style: chr5-60217980-A-G.
Other names: c.2T>C, p.Met1Thr (NM_001007233.3); c.176T>C, p.Met59Thr (NM_001007234.3); c.-202T>C (NM_001290285.2); short protein forms M1T, M59T.
Identifiers: ClinVar variation 3340048 (VCV003340048.3).
Genomic context (GRCh38, chr5:60,922,153, plus strand): 5'-TGTCTGCTGGAGTTCTCAAGGTCATAAAGTACAATCACACCATCTGAACCACCTGATAAC[A>G]TGCTGATAATAAAAAAGTTCACATTAATTTATCATTTTATTTATTATTTAGTCCATTTAT-3'
Protein context (NP_000073.1, residues 49-69): LDIEPVEGRY[Met59Thr]LSGGSDGVIV

ClinVar aggregate classification (germline): Conflicting classifications of pathogenicity. Review status: criteria provided, conflicting classifications (1 of 4 stars). 3 submissions from 3 submitters: Pathogenic (1); Likely pathogenic (1); Uncertain significance (1). Last evaluated 2025-09-03.

Conditions:
Cockayne syndrome type 1. Also called: Cockayne syndrome type I; Cockayne syndrome classical; Cockayne syndrome classic form. Identifiers: Orphanet 191, Orphanet 90321, MedGen C0751039, MONDO:0019569, OMIM 216400.
UV-sensitive syndrome 2 (UVSS2). Identifiers: Orphanet 178338, MedGen C3553298, MONDO:0013829, OMIM 614621.
Cockayne syndrome. Identifiers: Orphanet 191, MedGen C0009207, MONDO:0016006.

gnomAD v4.1: 10 of 1,585,208 alleles (0.00063%); highest among the groups gnomAD compares: South Asian, 0.011%; no homozygotes.

Submissions (3):

Myriad Genetics, Inc.
Classification: Uncertain significance for Cockayne syndrome type 1. Last evaluated: 2025-09-03. Review status: criteria provided, single submitter. Criteria: Myriad Autosomal Dominant, Autosomal Recessive and X-Linked Classification Criteria (2023). Collection method: clinical testing. Allele origin: unknown.
Comment: NM_000082.3(ERCC8):c.176T>C(M59T) is a missense variant classified as a variant of uncertain significance in the context of ERCC8-related disorders. M59T has been observed in a case with relevant disease (PMID: 36231052). Relevant functional assessments of this variant are not available in the literature. M59T has been observed in referenced population frequency databases. In summary, there is insufficient evidence to classify NM_000082.3(ERCC8):c.176T>C(M59T) as pathogenic or benign. Please note: this variant was assessed in the context of healthy population screening.

Fulgent Genetics
Classification: Likely pathogenic for Cockayne syndrome type 1; UV-sensitive syndrome 2. Last evaluated: 2024-06-14. Review status: criteria provided, single submitter. Criteria: ACMG Guidelines, 2015. Collection method: clinical testing. Allele origin: germline.

Women's Health and Genetics/Laboratory Corporation of America, LabCorp
Classification: Pathogenic for Cockayne syndrome. Last evaluated: 2024-06-14. Review status: criteria provided, single submitter. Criteria: LabCorp Variant Classification Summary - May 2015. Collection method: clinical testing. Allele origin: germline.
Comment: Variant summary: ERCC8 c.176T>C (p.Met59Thr) results in a non-conservative amino acid change located in the WD1 beta-transducin repeat motif (Gauhar_2022) of the encoded protein sequence. Four of four in-silico tools predict a damaging effect of the variant on protein function. Consensus agreement among computation tools predict no significant impact on normal splicing. However, these predictions have yet to be confirmed by functional studies. The variant allele was found at a frequency of 8e-06 in 249446 control chromosomes (gnomAD). c.176T>C has been reported in the literature in multiple homozygous individuals affected with autosomal-recessive cerebellar ataxias and and this variant co-segregated with the disease (Gauhar_2022). These data indicate that the variant is very likely to be associated with disease. At least one publication reports experimental evidence evaluating an impact on protein function and this variant results in loss of normal ERCC8 function, at least in part due to reduced protein stability (Gauhar_2022). The following publication have been ascertained in the context of this evaluation (PMID: 36231052). No submitters have cited clinical-significance assessments for this variant to ClinVar. Based on the evidence outlined above, the variant was classified as pathogenic.

Literature cited by the submitters: PubMed 36231052 (cited by Myriad Genetics, Inc. and Women's Health and Genetics/Laboratory Corporation of America, LabCorp).